The following is an entry in ClinVar:

ClinVar aggregate classification (germline): Benign. Review status: criteria provided, single submitter (1 of 4 stars). 4 submissions from 1 submitter: Benign (4). Last evaluated 2018-01-13.

Conditions:
Osteoglophonic dysplasia (OGD). Also called: Osteoglophonic dwarfism. Identifiers: Orphanet 2645, MedGen C0432283, MONDO:0008150, OMIM 166250.
Trigonocephaly 1 (TRIGNO1). Identifiers: Orphanet 3366, MedGen C0432122, MONDO:0008603, OMIM 190440.
Craniosynostosis syndrome. Also called: Craniosynostosis. Identifiers: Orphanet 1531, MedGen C0010278, MeSH D003398, MONDO:0015469, HP:0001363.
Hypogonadotropic hypogonadism 2 with or without anosmia (HH2). Also called: HYPOGONADOTROPIC HYPOGONADISM 2 WITH OR WITHOUT ANOSMIA, SUSCEPTIBILITY TO; HYPOGONADOTROPIC HYPOGONADISM 2 WITHOUT ANOSMIA, SUSCEPTIBILITY TO; FGFR1-Related GnRH Deficiency (Kallmann Syndrome 2); HYPOGONADOTROPIC HYPOGONADISM 2 WITHOUT ANOSMIA. Identifiers: Orphanet 478, MedGen C1563720, MONDO:0007844, OMIM 147950. Disease mechanism: loss of function.

Allele frequency attached by ClinVar (database versions not stated): 1000 Genomes Project 30x 0.00062; 1000 Genomes Project 0.00080; gnomAD 0.00129 and 0.00141; TOPMed 0.00168; gnomAD exomes 0.00197.
gnomAD v4.1: 309 of 207,110 alleles (0.15%); highest among the groups gnomAD compares: Admixed American, 0.35%; 1 homozygote.

Submissions (4):

Illumina Laboratory Services, Illumina
Classification: Benign for Hypogonadotropic hypogonadism 2 with or without anosmia. Last evaluated: 2018-01-13. Review status: criteria provided, single submitter. Criteria: ICSL Variant Classification Criteria 13 December 2019. Collection method: clinical testing. Allele origin: germline.
Comment: This variant was observed in the ICSL laboratory as part of a predisposition screen in an ostensibly healthy population. It had not been previously curated by ICSL or reported in the Human Gene Mutation Database (HGMD: prior to June 1st, 2018), and was therefore a candidate for classification through an automated scoring system. Utilizing variant allele frequency, disease prevalence and penetrance estimates, and inheritance mode, an automated score was calculated to assess if this variant is too frequent to cause the disease. Based on the score and internal cut-off values, a variant classified as benign is not then subjected to further curation. The score for this variant resulted in a classification of benign for this disease.

Illumina Laboratory Services, Illumina
Classification: Benign for Osteoglophonic dysplasia. Last evaluated: 2018-01-13. Review status: criteria provided, single submitter. Criteria: ICSL Variant Classification Criteria 13 December 2019. Collection method: clinical testing. Allele origin: germline.
Comment: the same text as in the submission from Illumina Laboratory Services, Illumina above.

Illumina Laboratory Services, Illumina
Classification: Benign for Trigonocephaly 1. Last evaluated: 2018-01-13. Review status: criteria provided, single submitter. Criteria: ICSL Variant Classification Criteria 13 December 2019. Collection method: clinical testing. Allele origin: germline.
Comment: the same text as in the submission from Illumina Laboratory Services, Illumina above.

Illumina Laboratory Services, Illumina
Classification: Benign for Craniosynostosis. Last evaluated: 2018-01-13. Review status: criteria provided, single submitter. Criteria: ICSL Variant Classification Criteria 13 December 2019. Collection method: clinical testing. Allele origin: germline.
Comment: the same text as in the submission from Illumina Laboratory Services, Illumina above.

NM_023110.3(FGFR1):c.*1498C>T

Genes: FGFR1 (fibroblast growth factor receptor 1; minus strand), LOC102723716 (uncharacterized LOC102723716; minus strand). Cytogenetic location: 8p11.23.
Variant type: single nucleotide variant.
Coding change: c.*1498C>T on transcript NM_023110.3 (MANE Select); 1498 bases downstream of the stop codon, C replaced by T.
Molecular consequence: 3 prime UTR variant.
Genome position (GRCh38, 1-based): chr8:38,412,130, G>A on the plus strand (C>T on the coding strand, the complement: FGFR1 is on the minus strand). VCF-style: chr8-38412130-G-A. GRCh37 (hg19) VCF-style: chr8-38269648-G-A.
Other names: c.*1498C>T (NM_001174063.2, NM_001174064.2, NM_001174065.2 and 6 more transcripts); c.*259C>T (NM_001354367.2, NM_001354369.2, NM_001354370.2).
Identifiers: ClinVar variation 362867 (VCV000362867.5), dbSNP rs17182484, ClinGen allele CA10630953.